The following is an entry in ClinVar:

ClinVar aggregate classification (germline): Likely pathogenic. Review status: criteria provided, single submitter (1 of 4 stars). 2 submissions from 2 submitters: Likely pathogenic (1). 1 of the submissions does not count toward it. Last evaluated 2025-01-03.

Conditions:
Myoclonic epilepsy of Lafora 1 (MELF1). Also called: EPM2A-Related Lafora Disease; Epilepsy, progressive myoclonic 2A (Lafora); EPILEPSY, PROGRESSIVE MYOCLONIC, 2A; LAFORA DISEASE 1. Identifiers: MedGen CN377204, MONDO:0958199, OMIM 254780.
Lafora disease. Also called: Epilepsy progressive myoclonic 2; Progressive Myoclonus Epilepsy, Lafora Type. Identifiers: Orphanet 501, MedGen C0751783, MONDO:0009697.

Submissions (2):

Broad Center for Mendelian Genomics, Broad Institute of MIT and Harvard
Classification: Likely pathogenic for Lafora disease. Last evaluated: 2025-01-03. Review status: criteria provided, single submitter. Criteria: ACMG Guidelines, 2015. Collection method: curation. Allele origin: germline. Inheritance: Autosomal recessive inheritance.
Comment: The p.Gln319ProfsTer12 variant in EPM2A has been reported in 1 individual, in the compound heterozygous state, with Lafora disease (PMID:14722920), and has been identified in 0.02% (1/5196) of East Asian chromosomes by the Genome Aggregation Database (gnomAD; dbSNP rs587776554). Although this variant has been seen in the general population in a heterozygous state, its frequency is not high enough to rule out a pathogenic role. This variant has also been reported in ClinVar (Variation ID: 3106) and has been interpreted as pathogenic by OMIM. In vitro functional studies provide some evidence that the p.Gln319ProfsTer12 variant may slightly impact protein function (PMID: 14722920, 18617530). However, these types of assays may not accurately represent biological function. This variant is predicted to cause a frameshift, which alters the protein's amino acid sequence beginning at position 319 and leads to a premature termination codon 12 amino acids downstream. This termination codon occurs within the last exon and is more likely to escape nonsense mediated decay (NMD) and result in a truncated protein. Loss of function of the EPM2A gene is an established disease mechanism in autosomal recessive Lafora disease. The phenotype of an individual compound heterozygous for this variant was highly specific for Lafora disease based on a biopsy showing Lafora bodies (PMID: 14722920). In summary, although additional studies are required to fully establish its clinical significance, this variant is likely pathogenic for autosomal recessive Lafora disease. ACMG/AMP Criteria applied: PM3, PVS1_moderate, PP4, PS3_supporting (Richards 2015).

OMIM
Classification: Pathogenic for MYOCLONIC EPILEPSY OF LAFORA 1. Last evaluated: 2005-10-01. Review status: no assertion criteria provided. Collection method: literature only. Allele origin: germline. Not counted in ClinVar's aggregate classification.

Literature cited by the submitters: PubMed 14722920 (cited by Broad Center for Mendelian Genomics, Broad Institute of MIT and Harvard and OMIM); PubMed 18617530 (cited by Broad Center for Mendelian Genomics, Broad Institute of MIT and Harvard); PubMed 16134145 (cited by OMIM).

NM_005670.4(EPM2A):c.953dup (p.Gln319fs)

Gene: EPM2A (EPM2A glucan phosphatase, laforin; minus strand). Cytogenetic location: 6q24.3.
Variant type: Duplication.
Coding change: c.953dup on transcript NM_005670.4 (MANE Select); coding-DNA position 953, one base duplicated (T; older notation c.953dupT).
Protein change: p.Gln319fs; shifts the reading frame from glutamine 319.
Molecular consequence: frameshift variant. On other transcripts: 3 prime UTR variant (1), non-coding transcript variant (1), intron variant (1).
Genome position (GRCh38, 1-based): chr6:145,627,459, A duplicated on the plus strand (T on the coding strand, the reverse complement: EPM2A is on the minus strand); the first of 6 consecutive A bases (chr6:145,627,459-145,627,464); duplicating any one gives the same sequence. VCF-style (leftmost placement, unchanged base first): chr6-145627458-G-GA. GRCh37 (hg19) VCF-style: chr6-145948594-G-GA.
Other names: NM_005670.4(EPM2A):c.953dup; p.Gln319fs; c.*36dup (NM_001360057.2); c.539dup, p.Gln181fs (NM_001360064.2, NM_001360071.2, NM_001368131.1); c.491dup, p.Gln165fs (NM_001368129.2, NM_001368132.1); c.924+24dup (NM_001018041.2); short protein forms Q319fs, Q181fs, Q165fs.
Identifiers: ClinVar variation 3106 (VCV000003106.3), dbSNP rs587776554, ClinGen allele CA252548.